The following is an entry in ClinVar:

ClinVar aggregate classification (germline): Likely benign. Review status: criteria provided, single submitter (1 of 4 stars). 2 submissions from 2 submitters: Likely benign (1). 1 of the submissions does not count toward it. Last evaluated 2026-09-01.

Conditions:
TIAM1-related disorder. Also called: TIAM1-related condition.

Allele frequency attached by ClinVar (database versions not stated): gnomAD exomes 0.00078; gnomAD 0.00139; ExAC 0.00263; TOPMed 0.00277; 1000 Genomes Project 0.00419; 1000 Genomes Project 30x 0.00422.
gnomAD v4.1: 1,354 of 1,612,408 alleles (0.084%); highest among the groups gnomAD compares: Admixed American, 1.4%; 7 homozygotes.

Submissions (2):

CeGaT Center for Human Genetics Tuebingen
Classification: Likely benign. Last evaluated: 2026-09-01. Review status: criteria provided, single submitter. Criteria: CeGaT Center For Human Genetics Tuebingen Variant Classification Criteria Version 2. Collection method: clinical testing. Allele origin: germline. Affected: yes. Observed: 17 variant alleles.
Comment: TIAM1: BP4, BP7, BS1

PreventionGenetics, part of Exact Sciences
Classification: Benign for TIAM1-related condition. Last evaluated: 2024-06-26. Review status: no assertion criteria provided. Collection method: clinical testing. Allele origin: germline. Not counted in ClinVar's aggregate classification.
Comment: This variant is classified as benign based on ACMG/AMP sequence variant interpretation guidelines (Richards et al. 2015 PMID: 25741868, with internal and published modifications).

NM_001353694.2(TIAM1):c.4182G>A (p.Leu1394=)

Gene: TIAM1 (TIAM Rac1 associated GEF 1; minus strand). Cytogenetic location: 21q22.11.
Variant type: single nucleotide variant.
Coding change: c.4182G>A on transcript NM_001353694.2 (MANE Select); coding-DNA position 4182, G replaced by A.
Protein change: p.Leu1394=; no amino-acid change (leucine 1394 retained).
Molecular consequence: synonymous variant.
Genome position (GRCh38, 1-based): chr21:31,124,646, C>T on the plus strand (G>A on the coding strand, the complement: TIAM1 is on the minus strand). VCF-style: chr21-31124646-C-T. GRCh37 (hg19) VCF-style: chr21-32496964-C-T.
Other names: c.1281G>A, p.Leu427= (NM_001353684.2); c.1206G>A, p.Leu402= (NM_001353685.2); c.4107G>A, p.Leu1369= (NM_001353686.2, NM_001353687.2); c.4182G>A, p.Leu1394= (NM_001353688.1, NM_001353689.1, NM_001353690.1 and 4 more transcripts).
Identifiers: ClinVar variation 3034467 (VCV003034467.15), dbSNP rs192535474, ClinGen allele CA9997558.